The following is an entry in ClinVar:

NM_001040716.2(PC):c.904-16G>A

Gene: PC (pyruvate carboxylase; minus strand). Cytogenetic location: 11q13.2.
Variant type: single nucleotide variant.
Coding change: c.904-16G>A on transcript NM_001040716.2 (MANE Select); 16 bases into the intron before coding-DNA position 904, G replaced by A.
Molecular consequence: intron variant.
Genome position (GRCh38, 1-based): chr11:66,868,980, C>T on the plus strand (G>A on the coding strand, the complement: PC is on the minus strand). VCF-style: chr11-66868980-C-T. GRCh37 (hg19) VCF-style: chr11-66636451-C-T.
Other names: c.904-16G>A (NM_000920.4, NM_022172.3).
Identifiers: ClinVar variation 386920 (VCV000386920.6), dbSNP rs189690730, ClinGen allele CA6132066.

ClinVar aggregate classification (germline): Likely benign. Review status: criteria provided, multiple submitters, no conflicts (2 of 4 stars). 2 submissions from 2 submitters: Likely benign (2). Last evaluated 2025-12-27.

Conditions:
Pyruvate carboxylase deficiency. Also called: Pyruvate Carboxylase Deficiency Disease; ATAXIA WITH LACTIC ACIDOSIS II; LEIGH NECROTIZING ENCEPHALOPATHY DUE TO PYRUVATE CARBOXYLASE DEFICIENCY; LEIGH SYNDROME DUE TO PYRUVATE CARBOXYLASE DEFICIENCY; PC DEFICIENCY. Identifiers: Orphanet 3008, MedGen C0034341, MONDO:0009949, OMIM 266150.

Allele frequency attached by ClinVar (database versions not stated): gnomAD exomes 0.00002 and 0.00003; ExAC 0.00003; TOPMed 0.00003; gnomAD 0.00004; ESP Exome Variant Server 0.00015; 1000 Genomes Project 0.00020; 1000 Genomes Project 30x 0.00031.
gnomAD v4.1: 34 of 1,596,322 alleles (0.0021%); highest among the groups gnomAD compares: Admixed American, 0.01%; no homozygotes.

Submissions (2):

Labcorp Genetics (formerly Invitae), Labcorp
Classification: Likely benign for Pyruvate carboxylase deficiency. Last evaluated: 2025-12-27. Review status: criteria provided, single submitter. Criteria: Invitae Variant Classification Sherloc (09022015). Collection method: clinical testing. Allele origin: germline.

GeneDx
Classification: Likely benign. Last evaluated: 2016-06-18. Review status: criteria provided, single submitter. Criteria: GeneDx Variant Classification (06012015). Collection method: clinical testing. Allele origin: germline. Affected: yes.
Comment: This variant is considered likely benign or benign based on one or more of the following criteria: it is a conservative change, it occurs at a poorly conserved position in the protein, it is predicted to be benign by multiple in silico algorithms, and/or has population frequency not consistent with disease.